The following is an entry in ClinVar:

NM_001077365.2(POMT1):c.1417G>A (p.Gly473Arg)

Gene: POMT1 (protein O-mannosyltransferase 1; plus strand). Cytogenetic location: 9q34.13.
Variant type: single nucleotide variant.
Coding change: c.1417G>A on transcript NM_001077365.2 (MANE Select); coding-DNA position 1417, G replaced by A.
Protein change: p.Gly473Arg; replaces glycine 473 with arginine.
Molecular consequence: missense variant. On other transcripts: non-coding transcript variant (10), intron variant (1).
Genome position (GRCh38, 1-based): chr9:131,518,888, G>A. VCF-style: chr9-131518888-G-A. GRCh37 (hg19) VCF-style: chr9-134394275-G-A.
Other names: c.1255G>A, p.Gly419Arg (NM_001077366.2, NM_001353194.2); c.1417G>A, p.Gly473Arg (NM_001136113.2); c.1066G>A, p.Gly356Arg (NM_001136114.2, NM_001353195.2, NM_001374691.1 and 2 more transcripts); c.1483G>A, p.Gly495Arg (NM_001353193.2, NM_007171.4); c.1327G>A, p.Gly443Arg (NM_001353196.2); c.1321G>A, p.Gly441Arg (NM_001353197.2, NM_001353198.2); c.1132G>A, p.Gly378Arg (NM_001353199.2); c.961G>A, p.Gly321Arg (NM_001353200.2); and 3 more; short protein forms G495R, G321R, G419R, G343R, G469R, G356R, G378R, G441R.
Identifiers: ClinVar variation 912852 (VCV000912852.31), dbSNP rs376882399, ClinGen allele CA5293692.

ClinVar aggregate classification (germline): Uncertain significance. Review status: criteria provided, multiple submitters, no conflicts (2 of 4 stars). 5 submissions from 5 submitters: Uncertain significance (5). Last evaluated 2024-04-01.

Conditions:
Autosomal recessive limb-girdle muscular dystrophy type 2K. Also called: MUSCULAR DYSTROPHY-DYSTROGLYCANOPATHY (LIMB-GIRDLE), TYPE C, 1; MUSCULAR DYSTROPHY, LIMB-GIRDLE, TYPE 2K. Identifiers: Orphanet 86812, MedGen C1836373, MONDO:0012248, OMIM 609308.
Walker-Warburg congenital muscular dystrophy. Also called: Muscular dystrophy-dystroglycanopathy, type A; Walker-Warburg syndrome. Identifiers: Orphanet 899, MedGen C0265221, MONDO:0000171.
Muscular dystrophy-dystroglycanopathy (congenital with impaired intellectual development), type B, 1. Also called: MUSCULAR DYSTROPHY, CONGENITAL, POMT1-RELATED; Muscular dystrophy-dystroglycanopathy (congenital with intellectual disability), type B1. Identifiers: MedGen C5436962, MONDO:0013159, OMIM 613155.
Muscular dystrophy-dystroglycanopathy (congenital with brain and eye anomalies), type A1 (MDDGA1). Also called: WALKER-WARBURG SYNDROME OR MUSCLE-EYE-BRAIN DISEASE, POMT1-RELATED; Hydrocephalus, agyria and retinal dysplasia; Hard +/- E syndrome; Warburg syndrome; Chemke syndrome; Pagon syndrome. Identifiers: Orphanet 588, Orphanet 899, MedGen C4284790, MONDO:0009364, OMIM 236670.

Allele frequency attached by ClinVar (database versions not stated): ExAC 0.00001; gnomAD exomes 0.00002; TOPMed 0.00002; gnomAD 0.00003 and 0.00004; ESP Exome Variant Server 0.00008.
gnomAD v4.1: 16 of 1,613,850 alleles (0.00099%); highest among the groups gnomAD compares: Non-Finnish European, 0.0013%; no homozygotes.

Submissions (5):

CeGaT Center for Human Genetics Tuebingen
Classification: Uncertain significance. Last evaluated: 2024-04-01. Review status: criteria provided, single submitter. Criteria: CeGaT Center For Human Genetics Tuebingen Variant Classification Criteria Version 2. Collection method: clinical testing. Allele origin: germline. Affected: yes. Observed: 2 variant alleles.
Comment: POMT1: PM2

Fulgent Genetics
Classification: Uncertain significance for Muscular dystrophy-dystroglycanopathy (congenital with brain and eye anomalies), type A1; Autosomal recessive limb-girdle muscular dystrophy type 2K; Muscular dystrophy-dystroglycanopathy (congenital with impaired intellectual development), type B, 1. Last evaluated: 2022-05-26. Review status: criteria provided, single submitter. Criteria: ACMG Guidelines, 2015. Collection method: clinical testing. Allele origin: unknown.

Labcorp Genetics (formerly Invitae), Labcorp
Classification: Uncertain significance for Muscular dystrophy-dystroglycanopathy (congenital with impaired intellectual development), type B, 1; Walker-Warburg congenital muscular dystrophy; Autosomal recessive limb-girdle muscular dystrophy type 2K. Last evaluated: 2021-10-15. Review status: criteria provided, single submitter. Criteria: Invitae Variant Classification Sherloc (09022015). Collection method: clinical testing. Allele origin: germline.
Comment: This sequence change replaces glycine with arginine at codon 495 of the POMT1 protein (p.Gly495Arg). The glycine residue is moderately conserved and there is a moderate physicochemical difference between glycine and arginine. This variant is present in population databases (rs376882399, ExAC 0.002%). This variant has not been reported in the literature in individuals affected with POMT1-related conditions. ClinVar contains an entry for this variant (Variation ID: 912852). Algorithms developed to predict the effect of missense changes on protein structure and function are either unavailable or do not agree on the potential impact of this missense change (SIFT: "Tolerated"; PolyPhen-2: "Probably Damaging"; Align-GVGD: "Class C0"). In summary, the available evidence is currently insufficient to determine the role of this variant in disease. Therefore, it has been classified as a Variant of Uncertain Significance.

GeneDx
Classification: Uncertain significance. Last evaluated: 2021-04-15. Review status: criteria provided, single submitter. Criteria: GeneDx Variant Classification Process June 2021. Collection method: clinical testing. Allele origin: germline. Affected: yes.
Comment: In silico analysis, which includes protein predictors and evolutionary conservation, supports a deleterious effect; Not observed at a significant frequency in large population cohorts (Lek et al., 2016); This variant is associated with the following publications: (PMID: 30919572)

Illumina Laboratory Services, Illumina
Classification: Uncertain significance for Autosomal recessive limb-girdle muscular dystrophy type 2K. Last evaluated: 2018-01-12. Review status: criteria provided, single submitter. Criteria: ICSL Variant Classification Criteria 13 December 2019. Collection method: clinical testing. Allele origin: germline.